The following is an entry in ClinVar:

ClinVar aggregate classification (germline): Benign (0 of 4 stars; one submission).

Conditions:
CACNA2D3-related disorder. Also called: CACNA2D3-related condition.

Allele frequency attached by ClinVar (database versions not stated): gnomAD exomes 0.00098; ExAC 0.00329; gnomAD 0.00981; 1000 Genomes Project 0.01058; 1000 Genomes Project 30x 0.01093; TOPMed 0.01123; ESP Exome Variant Server 0.01133.
gnomAD v4.1: 2,984 of 1,610,096 alleles (0.19%); highest among the groups gnomAD compares: African/African-American, 3.4%; 49 homozygotes.

Submissions (3):

PreventionGenetics, part of Exact Sciences
Classification: Benign for CACNA2D3-related condition. Last evaluated: 2020-10-10. Review status: no assertion criteria provided. Collection method: clinical testing. Allele origin: germline.
Comment: This variant is classified as benign based on ACMG/AMP sequence variant interpretation guidelines (Richards et al. 2015 PMID: 25741868, with internal and published modifications).

Dr. Peter K. Rogan Lab, Western University
No classification provided (evidence only). Condition: Cervical cancer. Review status: no classification provided. Collection method: in vitro. Allele origin: not applicable. Functional consequence: retained intron. Not counted in ClinVar's aggregate classification.

Dr. Peter K. Rogan Lab, Western University
No classification provided (evidence only). Condition: Nonpapillary renal cell carcinoma. Review status: no classification provided. Collection method: in vitro. Allele origin: not applicable. Functional consequence: retained intron. Not counted in ClinVar's aggregate classification.

NM_018398.3(CACNA2D3):c.1629C>T (p.Tyr543=)

Gene: CACNA2D3 (calcium voltage-gated channel auxiliary subunit alpha2delta 3; plus strand). Cytogenetic location: 3p14.3.
Variant type: single nucleotide variant.
Coding change: c.1629C>T on transcript NM_018398.3 (MANE Select); coding-DNA position 1629, C replaced by T.
Protein change: p.Tyr543=; no amino-acid change (tyrosine 543 retained).
Molecular consequence: synonymous variant.
Genome position (GRCh38, 1-based): chr3:54,871,541, C>T. VCF-style: chr3-54871541-C-T. GRCh37 (hg19) VCF-style: chr3-54905568-C-T.
Other names: NC_000003.11:g.54905568C>T.
Identifiers: ClinVar variation 3033322 (VCV003033322.3), dbSNP rs36098777, ClinGen allele CA2457841.